The following is an entry in ClinVar:

NM_013444.4(UBQLN2):c.1803G>A (p.Leu601=)

Gene: UBQLN2 (ubiquilin 2; plus strand). Cytogenetic location: Xp11.21.
Variant type: single nucleotide variant.
Coding change: c.1803G>A on transcript NM_013444.4 (MANE Select); coding-DNA position 1803, G replaced by A.
Protein change: p.Leu601=; no amino-acid change (leucine 601 retained).
Molecular consequence: synonymous variant.
Genome position (GRCh38, 1-based): chrX:56,565,676, G>A. VCF-style: chrX-56565676-G-A. GRCh37 (hg19) VCF-style: chrX-56592109-G-A.
Identifiers: ClinVar variation 3708941 (VCV003708941.2).

ClinVar aggregate classification (germline): Uncertain significance (1 of 4 stars; one submission).

Conditions:
Amyotrophic lateral sclerosis type 15. Also called: AMYOTROPHIC LATERAL SCLEROSIS 15 WITH FRONTOTEMPORAL DEMENTIA. Identifiers: Orphanet 803, MedGen C3275459, MONDO:0010459, OMIM 300857.

gnomAD v4.1: 4 of 1,211,989 alleles (0.00033%); highest among the groups gnomAD compares: East Asian, 0.003%; no homozygotes.

Submission:

Labcorp Genetics (formerly Invitae), Labcorp
Classification: Uncertain significance for Amyotrophic lateral sclerosis type 15. Last evaluated: 2024-06-04. Review status: criteria provided, single submitter. Criteria: Invitae Variant Classification Sherloc (09022015). Collection method: clinical testing. Allele origin: germline.
Comment: This sequence change affects codon 601 of the UBQLN2 mRNA. It is a 'silent' change, meaning that it does not change the encoded amino acid sequence of the UBQLN2 protein. This variant is not present in population databases (gnomAD no frequency). This variant has not been reported in the literature in individuals affected with UBQLN2-related conditions. In summary, the available evidence is currently insufficient to determine the role of this variant in disease. Therefore, it has been classified as a Variant of Uncertain Significance.